The following is an entry in ClinVar:

NM_001037333.3(CYFIP2):c.3183dup (p.Ile1062fs)

Genes: CYFIP2 (cytoplasmic FMR1 interacting protein 2; plus strand), NIPAL4-DT (NIPAL4 divergent transcript; minus strand). Cytogenetic location: 5q33.3.
Variant type: Duplication.
Coding change: c.3183dup on transcript NM_001037333.3 (MANE Select); coding-DNA position 3183, one base duplicated (G; older notation c.3183dupG).
Protein change: p.Ile1062fs; shifts the reading frame from isoleucine 1062.
Molecular consequence: frameshift variant.
Genome position (GRCh38, 1-based): chr5:157,383,335, G duplicated. VCF-style (leftmost placement, unchanged base first): chr5-157383334-T-TG. GRCh37 (hg19) VCF-style: chr5-156810342-T-TG.
Other names: c.3105dup, p.Ile1036fs (NM_001291721.2); c.3258dup, p.Ile1087fs (NM_001291722.2); c.3183dup, p.Ile1062fs (NM_014376.4); short protein forms I1087fs, I1062fs, I1036fs.
Identifiers: ClinVar variation 1388636 (VCV001388636.6), dbSNP rs2113516456, ClinGen allele CA2573139364.

ClinVar aggregate classification (germline): Uncertain significance (1 of 4 stars; one submission).

Submission:

Labcorp Genetics (formerly Invitae), Labcorp
Classification: Uncertain significance. Last evaluated: 2021-04-27. Review status: criteria provided, single submitter. Criteria: Invitae Variant Classification Sherloc (09022015). Collection method: clinical testing. Allele origin: germline.
Comment: This variant is not present in population databases (ExAC no frequency). This sequence change creates a premature translational stop signal (p.Ile1062Aspfs*17) in the CYFIP2 gene. It is expected to result in an absent or disrupted protein product. However, the current clinical and genetic evidence is not sufficient to establish whether loss-of-function variants in CYFIP2 cause disease. This variant has not been reported in the literature in individuals with CYFIP2-related conditions. In summary, the available evidence is currently insufficient to determine the role of this variant in disease. Therefore, it has been classified as a Variant of Uncertain Significance.